The following is an entry in ClinVar:

ClinVar aggregate classification (germline): Benign/Likely benign. Review status: criteria provided, multiple submitters, no conflicts (2 of 4 stars). 2 submissions from 2 submitters: Benign (1); Likely benign (1). Last evaluated 2024-05-14.

Conditions:
Hereditary cancer-predisposing syndrome. Also called: Neoplastic Syndromes, Hereditary; Tumor predisposition; Hereditary Cancer Syndrome; Hereditary neoplastic syndrome. Identifiers: Orphanet 140162, MedGen C0027672, MeSH D009386, MONDO:0015356.
Familial cancer of breast. Also called: BREAST CANCER, FAMILIAL; Hereditary breast cancer; hereditary breast carcinoma. Identifiers: Orphanet 227535, MedGen C0346153, MONDO:0016419, OMIM 114480. Disease mechanism: loss of function.

gnomAD v4.1: 1 of 1,614,068 alleles (0.000062%); highest among the groups gnomAD compares: Non-Finnish European, 0.000085%; no homozygotes.

Submissions (2):

Myriad Genetics, Inc.
Classification: Benign for Familial cancer of breast. Last evaluated: 2024-05-14. Review status: criteria provided, single submitter. Criteria: Myriad Autosomal Dominant, Autosomal Recessive and X-Linked Classification Criteria (2023). Collection method: clinical testing. Allele origin: unknown.
Comment: This variant is considered benign. This variant is a silent/synonymous amino acid change and it is not expected to impact splicing.

Ambry Genetics
Classification: Likely benign for Hereditary cancer-predisposing syndrome. Last evaluated: 2021-09-08. Review status: criteria provided, single submitter. Criteria: Ambry Variant Classification Scheme 2023. Collection method: clinical testing. Allele origin: germline.

NM_000051.4(ATM):c.3240C>T (p.Asp1080=)

Gene: ATM (ATM serine/threonine kinase; plus strand). Cytogenetic location: 11q22.3.
Variant type: single nucleotide variant.
Coding change: c.3240C>T on transcript NM_000051.4 (MANE Select); coding-DNA position 3240, C replaced by T.
Protein change: p.Asp1080=; no amino-acid change (aspartic acid 1080 retained).
Molecular consequence: synonymous variant.
Genome position (GRCh38, 1-based): chr11:108,272,808, C>T. VCF-style: chr11-108272808-C-T. GRCh37 (hg19) VCF-style: chr11-108143535-C-T.
Other names: c.3240C>T, p.Asp1080= (NM_001351834.2).
Identifiers: ClinVar variation 1729301 (VCV001729301.3), dbSNP rs149911447, ClinGen allele CA476745128.
Genomic context (GRCh38, chr11:108,272,808, plus strand): 5'-TCTTAATGTAATGGGAAAAGACTTTCCTGTAAATGAAGTATTTACACAATTTCTTGCTGA[C>T]AATCATCACCAAGTTCGCATGTTGGCTGCAGAGTCAATCAATAGGTAATGGGTCAAATAT-3'
Protein context (NP_000042.3, residues 1070-1090): VNEVFTQFLA[Asp1080=]NHHQVRMLAA